The following is an entry in ClinVar:

NM_033380.3(COL4A5):c.4234G>C (p.Gly1412Arg)

Gene: COL4A5 (collagen type IV alpha 5 chain; plus strand). Cytogenetic location: Xq22.3.
Variant type: single nucleotide variant.
Coding change: c.4234G>C on transcript NM_033380.3 (MANE Select); coding-DNA position 4234, G replaced by C.
Protein change: p.Gly1412Arg; replaces glycine 1412 with arginine.
Molecular consequence: missense variant.
Genome position (GRCh38, 1-based): chrX:108,686,048, G>C. VCF-style: chrX-108686048-G-C. GRCh37 (hg19) VCF-style: chrX-107929278-G-C.
Other names: p.(Gly1412Arg); c.4216G>C, p.Gly1406Arg (NM_000495.5); short protein forms G1406R, G1412R.
Identifiers: ClinVar variation 5041994 (VCV005041994.1).

ClinVar aggregate classification (germline): Likely pathogenic (1 of 4 stars; one submission).

Conditions:
X-linked Alport syndrome (ATS1). Also called: NEPHROPATHY AND DEAFNESS, X-LINKED; COL4A5-Related Nephropathy. Identifiers: Orphanet 63, Orphanet 88917, MedGen C4746986, MONDO:0010520, OMIM 301050.

Submission:

Centre de Génétique Humaine, Institut de Pathologie Et de Génétique
Classification: Likely pathogenic for X-linked Alport syndrome. Last evaluated: 2026-07-09. Review status: criteria provided, single submitter. Criteria: ACMG Guidelines, 2015. Collection method: clinical testing. Allele origin: maternal, germline, paternal. Inheritance: X-linked dominant inheritance. Affected: yes. Observed: 11 variant alleles, 7 heterozygotes, 4 hemizygotes. Clinical features observed: Microscopic hematuria (HP:0002907), Hypertensive disorder (HP:0000822), Sensorineural hearing loss disorder (HP:0000407), Stage 5 chronic kidney disease (HP:0003774), Stage 3 chronic kidney disease (HP:0012625), Macroscopic hematuria (HP:0012587), Severe albuminuria (HP:0033066), Stage 2 chronic kidney disease (HP:0012624), Moderate albuminuria (HP:0012594), Albuminuria (HP:0012592). Segregation with disease observed.
Comment: This missense variant involves a highly conserved glycine located in a ‘Gly-X-Y’ motif in collagenous region, (PM1,PP2). This variant is rare: absent in gnomAD v4.1.0 database (PM2). . In silico analysis supports that this missense variant has a deleterious effect (PP3). Cosegregation in families analysed in our lab (PP1)